The following is an entry in ClinVar:

NM_006846.4(SPINK5):c.817_818del (p.Asn273fs)

Gene: SPINK5 (serine peptidase inhibitor Kazal type 5; plus strand). Cytogenetic location: 5q32.
Variant type: Deletion.
Coding change: c.817_818del on transcript NM_006846.4 (MANE Select); coding-DNA positions 817 to 818, 2 bases deleted (AA; older notation c.817_818delAA).
Protein change: p.Asn273fs; shifts the reading frame from asparagine 273.
Molecular consequence: frameshift variant.
Genome position (GRCh38, 1-based): chr5:148,095,840-148,095,841, AA deleted; deleting any 2 consecutive bases within chr5:148,095,838-148,095,841 gives the same sequence; the c. name uses the placement nearest the transcript's 3' end. VCF-style (leftmost placement, unchanged base first): chr5-148095837-GAA-G. GRCh37 (hg19) VCF-style: chr5-147475400-GAA-G.
Other names: c.817_818del, p.Asn273fs (NM_001127698.2, NM_001127699.2); short protein forms N273fs.
Identifiers: ClinVar variation 505094 (VCV000505094.5), dbSNP rs761490126, ClinGen allele CA3495374.

ClinVar aggregate classification (germline): Likely pathogenic (1 of 4 stars; one submission).

Conditions:
Netherton syndrome (NETH). Also called: NETHERTON DISEASE; ERYTHRODERMA, ICHTHYOSIFORM, WITH HYPOTRICHOSIS AND HYPER-IgE; COMEL-NETHERTON SYNDROME. Identifiers: Orphanet 634, MedGen C5574950, MONDO:0009735, OMIM 256500.

Submission:

Laboratory for Molecular Medicine, Mass General Brigham Personalized Medicine
Classification: Likely pathogenic for Netherton syndrome. Last evaluated: 2016-06-06. Review status: criteria provided, single submitter. Criteria: LMM Criteria. Collection method: clinical testing. Allele origin: germline. Inheritance: Autosomal recessive inheritance. Observed: 1 variant allele.
Comment: The p.Asn273GlnfsX2 variant in SPINK5 has not been previously reported in indivi duals with Netherton syndrome and has been identified in 1/120,208 of chromosome s by the Exome Aggregation Consortium (ExAC). Th is variant is predicted to cause a frameshift, which alters the protein?s amino acid sequence beginning at position 273 and leads to a premature termination cod on 2 amino acids downstream. This alteration is then predicted to lead to a trun cated or absent protein. Biallelic loss of function of SPINK5 is an established disease mechanism for Netherton syndrome. In summary, this variant meets our cr iteria to be classified as pathogenic for Netherton syndrome in an autosomal rec essive manner, based upon its predicted functional impact.